The following is an entry in ClinVar:

NM_001134407.3(GRIN2A):c.365T>A (p.Val122Asp)

Gene: GRIN2A (glutamate ionotropic receptor NMDA type subunit 2A; minus strand). Cytogenetic location: 16p13.2.
Variant type: single nucleotide variant.
Coding change: c.365T>A on transcript NM_001134407.3 (MANE Select); coding-DNA position 365, T replaced by A.
Protein change: p.Val122Asp; replaces valine 122 with aspartic acid.
Molecular consequence: missense variant.
Genome position (GRCh38, 1-based): chr16:10,180,047, A>T on the plus strand (T>A on the coding strand, the complement: GRIN2A is on the minus strand). VCF-style: chr16-10180047-A-T. GRCh37 (hg19) VCF-style: chr16-10273904-A-T.
Other names: c.365T>A, p.Val122Asp (NM_000833.5, NM_001134408.2); short protein forms V122D.
Identifiers: ClinVar variation 3373149 (VCV003373149.1).

ClinVar aggregate classification (germline): Uncertain significance (1 of 4 stars; one submission).

Submission:

GeneDx
Classification: Uncertain significance. Last evaluated: 2024-03-08. Review status: criteria provided, single submitter. Criteria: GeneDx Variant Classification Process June 2021. Collection method: clinical testing. Allele origin: germline. Affected: yes.
Comment: Not observed at significant frequency in large population cohorts (gnomAD); In silico analysis supports that this missense variant has a deleterious effect on protein structure/function; Has not been previously published as pathogenic or benign to our knowledge